The following is an entry in ClinVar:

ClinVar aggregate classification (germline): Uncertain significance (1 of 4 stars; one submission).

Allele frequency attached by ClinVar (database versions not stated): TOPMed below 0.00001.
gnomAD v4.1: 1 of 1,613,832 alleles (0.000062%); no homozygotes.

Submission:

Labcorp Genetics (formerly Invitae), Labcorp
Classification: Uncertain significance. Last evaluated: 2022-03-28. Review status: criteria provided, single submitter. Criteria: Invitae Variant Classification Sherloc (09022015). Collection method: clinical testing. Allele origin: germline.
Comment: In summary, the available evidence is currently insufficient to determine the role of this variant in disease. Therefore, it has been classified as a Variant of Uncertain Significance. Advanced modeling of protein sequence and biophysical properties (such as structural, functional, and spatial information, amino acid conservation, physicochemical variation, residue mobility, and thermodynamic stability) performed at Invitae indicates that this missense variant is expected to disrupt KATNB1 protein function. This variant has not been reported in the literature in individuals affected with KATNB1-related conditions. This variant is not present in population databases (gnomAD no frequency). This sequence change replaces glutamic acid, which is acidic and polar, with aspartic acid, which is acidic and polar, at codon 67 of the KATNB1 protein (p.Glu67Asp).

NM_005886.3(KATNB1):c.201G>C (p.Glu67Asp)

Gene: KATNB1 (katanin regulatory subunit B1; plus strand). Cytogenetic location: 16q21.
Variant type: single nucleotide variant.
Coding change: c.201G>C on transcript NM_005886.3 (MANE Select); coding-DNA position 201, G replaced by C.
Protein change: p.Glu67Asp; replaces glutamic acid 67 with aspartic acid.
Molecular consequence: missense variant.
Genome position (GRCh38, 1-based): chr16:57,744,423, G>C. VCF-style: chr16-57744423-G-C. GRCh37 (hg19) VCF-style: chr16-57778335-G-C.
Other names: short protein forms E67D.
Identifiers: ClinVar variation 2084799 (VCV002084799.4), dbSNP rs1322491609, ClinGen allele CA396063588.